The following is an entry in ClinVar:

NM_001378454.1(ALMS1):c.4016A>G (p.Lys1339Arg)

Gene: ALMS1 (ALMS1 centrosome and basal body associated protein; plus strand). Cytogenetic location: 2p13.1.
Variant type: single nucleotide variant.
Coding change: c.4016A>G on transcript NM_001378454.1 (MANE Select); coding-DNA position 4016, A replaced by G.
Protein change: p.Lys1339Arg; replaces lysine 1339 with arginine.
Molecular consequence: missense variant.
Genome position (GRCh38, 1-based): chr2:73,450,543, A>G. VCF-style: chr2-73450543-A-G. GRCh37 (hg19) VCF-style: chr2-73677670-A-G.
Other names: c.4019A>G, p.Lys1340Arg (NM_015120.4); short protein forms K1340R, K1339R.
Identifiers: ClinVar variation 2564344 (VCV002564344.4), dbSNP rs2103780988, ClinGen allele CA347277286.
Genomic context (GRCh38, chr2:73,450,543, plus strand): 5'-CAGCTGACCAGAAGACTGTGATACCAATTTTACCCTCTACTTTCTACTCACACACAGAGA[A>G]GCCTGGTGTTTTCTACCAACAGGTCTTGCCACATAGTCATCCAACTGAAGAGGCTCTGAA-3'
Protein context (NP_001365383.1, residues 1329-1349): LPSTFYSHTE[Lys1339Arg]PGVFYQQVLP

ClinVar aggregate classification (germline): Uncertain significance. Review status: criteria provided, multiple submitters, no conflicts (2 of 4 stars). 3 submissions from 3 submitters: Uncertain significance (2). 1 of the submissions does not count toward it. Last evaluated 2025-05-20.

Conditions:
Cardiovascular phenotype. Identifiers: MedGen CN230736.
Alstrom syndrome (ALMS). Identifiers: Orphanet 64, MedGen C0268425, MONDO:0008763, OMIM 203800.

Submissions (3):

Labcorp Genetics (formerly Invitae), Labcorp
Classification: Uncertain significance for Alstrom syndrome. Last evaluated: 2025-05-20. Review status: criteria provided, single submitter. Criteria: Invitae Variant Classification Sherloc (09022015). Collection method: clinical testing. Allele origin: germline.
Comment: This sequence change replaces lysine, which is basic and polar, with arginine, which is basic and polar, at codon 1340 of the ALMS1 protein (p.Lys1340Arg). This variant is not present in population databases (gnomAD no frequency). This variant has not been reported in the literature in individuals affected with ALMS1-related conditions. ClinVar contains an entry for this variant (Variation ID: 2564344). Experimental studies and prediction algorithms are not available or were not evaluated, and the functional significance of this variant is currently unknown. In summary, the available evidence is currently insufficient to determine the role of this variant in disease. Therefore, it has been classified as a Variant of Uncertain Significance.

Ambry Genetics
Classification: Uncertain significance for Cardiovascular phenotype. Last evaluated: 2023-06-13. Review status: criteria provided, single submitter. Criteria: Ambry Variant Classification Scheme 2023. Collection method: clinical testing. Allele origin: germline.
Comment: The p.K1340R variant (also known as c.4019A>G), located in coding exon 8 of the ALMS1 gene, results from an A to G substitution at nucleotide position 4019. The lysine at codon 1340 is replaced by arginine, an amino acid with highly similar properties. This amino acid position is well conserved in available vertebrate species. In addition, this alteration is predicted to be tolerated by in silico analysis. Since supporting evidence is limited at this time, the clinical significance of this alteration remains unclear.

Natera, Inc.
Classification: Uncertain significance for Alstrom syndrome. Last evaluated: 2025-04-10. Review status: no assertion criteria provided. Collection method: clinical testing. Allele origin: germline. Not counted in ClinVar's aggregate classification.